The following is an entry in ClinVar:

NM_001004311.3(FIGLA):c.552C>T (p.His184=)

Gene: FIGLA (folliculogenesis specific bHLH transcription factor; minus strand). Cytogenetic location: 2p13.3.
Variant type: single nucleotide variant.
Coding change: c.552C>T on transcript NM_001004311.3 (MANE Select); coding-DNA position 552, C replaced by T.
Protein change: p.His184=; no amino-acid change (histidine 184 retained).
Molecular consequence: synonymous variant.
Genome position (GRCh38, 1-based): chr2:70,785,472, G>A on the plus strand (C>T on the coding strand, the complement: FIGLA is on the minus strand). VCF-style: chr2-70785472-G-A. GRCh37 (hg19) VCF-style: chr2-71012604-G-A.
Identifiers: ClinVar variation 336907 (VCV000336907.9), dbSNP rs7566541, ClinGen allele CA1699627.

ClinVar aggregate classification (germline): Benign. Review status: criteria provided, multiple submitters, no conflicts (2 of 4 stars). 4 submissions from 4 submitters: Benign (4). Last evaluated 2021-08-10.

Conditions:
Premature ovarian failure 6 (POF6). Identifiers: MedGen C2676742, MONDO:0012861, OMIM 612310.

Allele frequency attached by ClinVar (database versions not stated): TOPMed 0.70422; 1000 Genomes Project 30x 0.79606; ESP Exome Variant Server 0.67501; gnomAD exomes 0.58704; 1000 Genomes Project 0.79772; ExAC 0.64792.
gnomAD v4.1: 964,775 of 1,613,550 alleles (60%); highest among the groups gnomAD compares: East Asian, 92%; 297,347 homozygotes.

Submissions (4):

Genome-Nilou Lab
Classification: Benign for Premature ovarian failure 6. Last evaluated: 2021-08-10. Review status: criteria provided, single submitter. Criteria: ACMG Guidelines, 2015. Collection method: clinical testing. Allele origin: germline. Affected: no.

Illumina Laboratory Services, Illumina
Classification: Benign for Premature ovarian failure 6. Last evaluated: 2018-01-13. Review status: criteria provided, single submitter. Criteria: ICSL Variant Classification Criteria 13 December 2019. Collection method: clinical testing. Allele origin: germline.
Comment: This variant was observed in the ICSL laboratory as part of a predisposition screen in an ostensibly healthy population. It had not been previously curated by ICSL or reported in the Human Gene Mutation Database (HGMD: prior to June 1st, 2018), and was therefore a candidate for classification through an automated scoring system. Utilizing variant allele frequency, disease prevalence and penetrance estimates, and inheritance mode, an automated score was calculated to assess if this variant is too frequent to cause the disease. Based on the score and internal cut-off values, a variant classified as benign is not then subjected to further curation. The score for this variant resulted in a classification of benign for this disease.

GeneDx
Classification: Benign. Last evaluated: 2015-03-03. Review status: criteria provided, single submitter. Criteria: GeneDx Variant Classification Process June 2021. Collection method: clinical testing. Allele origin: germline. Affected: yes.

Breakthrough Genomics
Classification: Benign. Review status: criteria provided, single submitter. Criteria: ACMG Guidelines, 2015. Collection method: not provided. Allele origin: germline. Inheritance: Autosomal dominant inheritance. Affected: yes.